The following is an entry in ClinVar:

ClinVar aggregate classification (germline): Pathogenic (1 of 4 stars; one submission).

Conditions:
Breast-ovarian cancer, familial, susceptibility to, 2 (BROVCA2). Also called: BRCA2 Hereditary Breast and Ovarian Cancer. Identifiers: Orphanet 145, MedGen C2675520, MONDO:0012933, OMIM 612555. Disease mechanism: loss of function.

Submission:

Myriad Genetics, Inc.
Classification: Pathogenic for Breast-ovarian cancer, familial, susceptibility to, 2. Last evaluated: 2025-03-21. Review status: criteria provided, single submitter. Criteria: Myriad Autosomal Dominant, Autosomal Recessive and X-Linked Classification Criteria (2023). Collection method: clinical testing. Allele origin: unknown.
Comment: This variant is considered pathogenic. This variant creates a frameshift predicted to result in premature protein truncation.

NM_000059.4(BRCA2):c.1628_1631del (p.His543fs)

Gene: BRCA2 (BRCA2 DNA repair associated; plus strand). Cytogenetic location: 13q13.1.
Variant type: Microsatellite.
Coding change: c.1628_1631del on transcript NM_000059.4 (MANE Select); coding-DNA positions 1628 to 1631, 4 bases deleted (ATAC; older notation c.1628_1631delATAC).
Protein change: p.His543fs; shifts the reading frame from histidine 543.
Molecular consequence: frameshift variant. On other transcripts: non-coding transcript variant (1), intron variant (1).
Genome position (GRCh38, 1-based): chr13:32,333,106-32,333,109, ATAC deleted; deleting any 4 consecutive bases within chr13:32,333,102-32,333,109 gives the same sequence; the c. name uses the placement nearest the transcript's 3' end. VCF-style (leftmost placement, unchanged base first): chr13-32333101-AATAC-A. GRCh37 (hg19) VCF-style: chr13-32907238-AATAC-A.
Other names: c.1628_1631del, p.His543fs (NM_001406719.1, NM_001406720.1, NM_001406721.1 and 1 more transcripts); c.424+2076_424+2079del (NM_001406722.1); short protein forms H543fs.
Identifiers: ClinVar variation 3904467 (VCV003904467.1).
Genomic context (GRCh38, chr13:32,333,101, plus strand): 5'-AGGTCATATGACTGATCCAAACTTTAAAAAAGAAACTGAAGCCTCTGAAAGTGGACTGGA[AATAC>A]ATACTGTTTGCTCACAGAAGGAGGACTCCTTATGTCCAAATTTAATTGATAATGGAAGCT-3'